The following is an entry in ClinVar:

ClinVar aggregate classification (germline): Pathogenic/Likely pathogenic. Review status: criteria provided, multiple submitters, no conflicts (2 of 4 stars). 5 submissions from 4 submitters: Pathogenic (3); Likely pathogenic (2). Last evaluated 2026-02-01.

Conditions:
Congenital myopathy with fiber type disproportion. Also called: Congenital fiber-type disproportion; Congenital fiber-type disproportion myopathy. Identifiers: Orphanet 2020, MedGen C0546264, MONDO:0009711. Inheritance: all.
RYR1-related disorder. Also called: RYR1-related condition; RYR1-related disorders. Identifiers: MedGen CN239331.
Congenital contracture. Also called: Congenital contractures. Identifiers: MedGen C0332878, MONDO:0022823, HP:0002803.
Delayed gross motor development. Identifiers: MedGen C1837658, HP:0002194.
Short stature. Identifiers: MedGen C0349588, HP:0004322.
Proximal amyotrophy. Identifiers: MedGen C1850794, HP:0007126.

Submissions (5):

CeGaT Center for Human Genetics Tuebingen
Classification: Likely pathogenic. Last evaluated: 2026-02-01. Review status: criteria provided, single submitter. Criteria: CeGaT Center For Human Genetics Tuebingen Variant Classification Criteria Version 2. Collection method: clinical testing. Allele origin: germline. Affected: yes. Observed: 1 variant allele.
Comment: RYR1: PM2, PM6, PS4:Moderate

Revvity Omics, Revvity
Classification: Likely pathogenic. Last evaluated: 2024-02-23. Review status: criteria provided, single submitter. Criteria: ACMG Guidelines, 2015. Collection method: clinical testing. Allele origin: germline.

Labcorp Genetics (formerly Invitae), Labcorp
Classification: Pathogenic for RYR1-related disorder. Last evaluated: 2023-05-09. Review status: criteria provided, single submitter. Criteria: Invitae Variant Classification Sherloc (09022015). Collection method: clinical testing. Allele origin: germline.
Comment: For these reasons, this variant has been classified as Pathogenic. This variant disrupts the p.Glu237 amino acid residue in RYR1. Other variant(s) that disrupt this residue have been determined to be pathogenic (PMID: 19191333). This suggests that this residue is clinically significant, and that variants that disrupt this residue are likely to be disease-causing. Advanced modeling of protein sequence and biophysical properties (such as structural, functional, and spatial information, amino acid conservation, physicochemical variation, residue mobility, and thermodynamic stability) performed at Invitae indicates that this missense variant is expected to disrupt RYR1 protein function. ClinVar contains an entry for this variant (Variation ID: 374164). This missense change has been observed in individual(s) with clinical features of autosomal dominant RYR1-related myopathy (PMID: 32403337, 33333461, 34106991; Invitae). In at least one individual the variant was observed to be de novo. This sequence change replaces glutamic acid, which is acidic and polar, with lysine, which is basic and polar, at codon 2371 of the RYR1 protein (p.Glu2371Lys). This variant is not present in population databases (gnomAD no frequency).

Centre for Mendelian Genomics, University Medical Centre Ljubljana
Classification: Pathogenic for Congenital myopathy 4A, autosomal dominant. Last evaluated: 2016-01-01. Review status: criteria provided, single submitter. Criteria: ACMG Guidelines, 2015. Collection method: clinical testing. Allele origin: unknown. Affected: yes.
Comment: This variant was classified as: Pathogenic.

Centre for Mendelian Genomics, University Medical Centre Ljubljana
Classification: Pathogenic for Congenital contracture; Delayed gross motor development; Proximal amyotrophy; Short stature. Last evaluated: 2014-04-01. Review status: criteria provided, single submitter. Criteria: ACMG Guidelines, 2015. Collection method: clinical testing. Allele origin: unknown. Affected: yes.

Literature cited by the submitters: PubMed 19191333 (cited by Labcorp Genetics (formerly Invitae), Labcorp); PubMed 32403337 (cited by Labcorp Genetics (formerly Invitae), Labcorp); PubMed 33333461 (cited by Labcorp Genetics (formerly Invitae), Labcorp); PubMed 34106991 (cited by Labcorp Genetics (formerly Invitae), Labcorp).

NM_000540.3(RYR1):c.7111G>A (p.Glu2371Lys)

Gene: RYR1 (ryanodine receptor 1; plus strand). Cytogenetic location: 19q13.2.
Variant type: single nucleotide variant.
Coding change: c.7111G>A on transcript NM_000540.3 (MANE Select); coding-DNA position 7111, G replaced by A.
Protein change: p.Glu2371Lys; replaces glutamic acid 2371 with lysine.
Molecular consequence: missense variant.
Genome position (GRCh38, 1-based): chr19:38,499,718, G>A. VCF-style: chr19-38499718-G-A. GRCh37 (hg19) VCF-style: chr19-38990358-G-A.
Other names: c.7111G>A, p.Glu2371Lys (NM_001042723.2); short protein forms E2371K.
Identifiers: ClinVar variation 374164 (VCV000374164.20), dbSNP rs1057518940, ClinGen allele CA16043555.